The following is an entry in ClinVar:

ClinVar aggregate classification (germline): Uncertain significance (1 of 4 stars; one submission).

Submission:

GeneDx
Classification: Uncertain significance. Last evaluated: 2025-06-02. Review status: criteria provided, single submitter. Criteria: GeneDx Variant Classification Process June 2021. Collection method: clinical testing. Allele origin: germline. Affected: yes.
Comment: In-frame insertion of 2 amino acids in a non-repeat region; Not observed at significant frequency in large population cohorts (gnomAD); Has not been previously published as pathogenic or benign to our knowledge

NM_001042681.2(RERE):c.3546_3551dup (p.Glu1185_Lys1186insArgGlu)

Gene: RERE (arginine-glutamic acid dipeptide repeats; minus strand). Cytogenetic location: 1p36.23.
Variant type: Duplication.
Coding change: c.3546_3551dup on transcript NM_001042681.2 (MANE Select); coding-DNA positions 3546 to 3551, 6 bases duplicated (AGAGCG; older notation c.3546_3551dupAGAGCG).
Protein change: p.Glu1185_Lys1186insArgGlu.
Molecular consequence: inframe insertion.
Genome position (GRCh38, 1-based): chr1:8,359,831-8,359,836, CGCTCT duplicated on the plus strand (AGAGCG on the coding strand, the reverse complement: RERE is on the minus strand); duplicating any 6 consecutive bases within chr1:8,359,831-8,359,841 gives the same sequence; the c. name uses the placement nearest the transcript's 3' end. VCF-style (leftmost placement, unchanged base first): chr1-8359830-C-CCGCTCT. GRCh37 (hg19) VCF-style: chr1-8419890-C-CCGCTCT.
Other names: c.1884_1889dup, p.Glu631_Lys632insArgGlu (NM_001042682.2); c.3546_3551dup, p.Glu1185_Lys1186insArgGlu (NM_012102.4).
Identifiers: ClinVar variation 4536254 (VCV004536254.1).